The following is an entry in ClinVar:

NM_000070.3(CAPN3):c.2115+1_2115+2dup

Gene: CAPN3 (calpain 3; plus strand). Cytogenetic location: 15q15.1.
Variant type: Duplication.
Coding change: c.2115+1_2115+2dup on transcript NM_000070.3 (MANE Select); the canonical splice donor site of the intron after coding-DNA position 2115, 2 bases duplicated (GT; older notation c.2115+1_2115+2dupGT).
Molecular consequence: splice donor variant.
Genome position (GRCh38, 1-based): chr15:42,409,996-42,409,997, GT duplicated; duplicating any 2 consecutive bases within chr15:42,409,995-42,409,997 gives the same sequence; the c. name uses the placement nearest the transcript's 3' end. VCF-style (leftmost placement, unchanged base first): chr15-42409994-A-ATG. GRCh37 (hg19) VCF-style: chr15-42702192-A-ATG.
Other names: c.2097+1_2097+2dup (NM_024344.2); c.1839+1_1839+2dup (NM_173087.2); c.579+1_579+2dup (NM_173088.2); c.120+1_120+2dup (NM_173090.2, NM_173089.2); c.2115+1_2115+2dup (NM_000070.2); c.2115+1_2115+2dupGT (NM_000070.2).
Identifiers: ClinVar variation 551370 (VCV000551370.14), dbSNP rs760919949, ClinGen allele CA7511714.

ClinVar aggregate classification (germline): Likely pathogenic. Review status: criteria provided, multiple submitters, no conflicts (2 of 4 stars). 5 submissions from 5 submitters: Likely pathogenic (4). 1 of the submissions does not count toward it. Last evaluated 2026-01-05.

Conditions:
Muscular dystrophy, limb-girdle, autosomal dominant 4. Also called: MUSCULAR DYSTROPHY, LIMB-GIRDLE, TYPE 1I; Calpain-3-related limb-girdle muscular dystrophy D4. Identifiers: Orphanet 565909, MedGen C4748295, MONDO:0029133, OMIM 618129.
Autosomal recessive limb-girdle muscular dystrophy type 2A (LGMDR1). Also called: Muscular dystrophy, limb-girdle, type 2A, Amish; Limb-girdle muscular dystrophy, type 2A; Calpainopathy; LEYDEN-MOEBIUS MUSCULAR DYSTROPHY; MUSCULAR DYSTROPHY, PELVOFEMORAL. Identifiers: Orphanet 267, MedGen C1869123, MONDO:0009675, OMIM 253600. Disease mechanism: loss of function.

Submissions (5):

Myriad Genetics, Inc.
Classification: Likely pathogenic for Autosomal recessive limb-girdle muscular dystrophy type 2A. Last evaluated: 2026-01-05. Review status: criteria provided, single submitter. Criteria: Myriad Autosomal Dominant, Autosomal Recessive and X-Linked Classification Criteria (2023). Collection method: clinical testing. Allele origin: unknown.
Comment: NM_000070.2(CAPN3):c.2115+1_2115+2dupGT is a variant in a canonical splice site classified as likely pathogenic in the context of calpainopathy. c.2115+1_2115+2dupGT has been observed in cases with relevant disease (PMID: 15689361, 17562833, 31127727, Plammootil_2004_(Thesis)). Relevant functional assessments of this variant are available in the literature (PMID: 27081656). c.2115+1_2115+2dupGT has been observed in referenced population frequency databases. In summary, NM_000070.2(CAPN3):c.2115+1_2115+2dupGT is a variant in a canonical splice site that has been observed more frequently in cases with the relevant disease than in healthy populations. Please note: this variant was assessed in the context of healthy population screening.

Natera, Inc.
Classification: Likely pathogenic for Limb-girdle muscular dystrophy type 2A. Last evaluated: 2025-12-31. Review status: criteria provided, single submitter. Criteria: Natera Variant Classification Schema (03/2026). Collection method: clinical testing. Allele origin: germline.
Comment: The c.2115+1_2115+2dup variant in CAPN3 is a canonical splice donor site variant predicted to affect pre-mRNA splicing, which may result in an abnormal transcript and altered protein product. This variant is rare in the general population with a frequency below the threshold expected for the associated phenotype(s). This variant has been observed in one or more individuals affected with the associated recessive disease, as either homozygous or compound heterozygous with a second variant (PMID: 31127727, 15689361). Functional studies show that this variant may disrupt protein function (PMID: 27081656). Computational prediction algorithms indicate this variant is likely to affect gene or protein function. Given the available evidence, this variant is classified as Likely Pathogenic.

Baylor Genetics
Classification: Likely pathogenic for Muscular dystrophy, limb-girdle, autosomal dominant 4. Last evaluated: 2023-11-25. Review status: criteria provided, single submitter. Criteria: ACMG Guidelines, 2015. Collection method: clinical testing. Allele origin: unknown.

Labcorp Genetics (formerly Invitae), Labcorp
Classification: Likely pathogenic for Autosomal recessive limb-girdle muscular dystrophy type 2A. Last evaluated: 2021-11-28. Review status: criteria provided, single submitter. Criteria: Invitae Variant Classification Sherloc (09022015). Collection method: clinical testing. Allele origin: germline.
Comment: This variant is present in population databases (rs760919949, gnomAD 0.0009%). In summary, the currently available evidence indicates that the variant is pathogenic, but additional data are needed to prove that conclusively. Therefore, this variant has been classified as Likely Pathogenic. Variants that disrupt the consensus splice site are a relatively common cause of aberrant splicing (PMID: 17576681, 9536098). Studies have shown that this variant results in disruption of mRNA splicing and introduces a premature termination codon (PMID: 27081656). The resulting mRNA is expected to undergo nonsense-mediated decay. ClinVar contains an entry for this variant (Variation ID: 551370). This variant is also known as IVS19+1 ins GT, c.2115insGT. This variant has been observed in individual(s) with autosomal recessive limb-girdle muscular dystrophy (PMID: 15689361, 17562833, 27081656, 31127727). It has also been observed to segregate with disease in related individuals. This sequence change falls in intron 19 of the CAPN3 gene. It does not directly change the encoded amino acid sequence of the CAPN3 protein. RNA analysis indicates that this variant induces altered splicing and may result in an absent or disrupted protein product.

Counsyl
Classification: Likely pathogenic for Autosomal recessive limb-girdle muscular dystrophy type 2A. Last evaluated: 2017-04-05. Review status: no assertion criteria provided. Collection method: clinical testing. Allele origin: unknown. Not counted in ClinVar's aggregate classification.

Literature cited by the submitters: PubMed 27081656 (cited by 4 submitters); PubMed 31127727 (cited by Natera, Inc. and Labcorp Genetics (formerly Invitae), Labcorp); PubMed 15689361 (cited by 3 submitters); PubMed 17576681 (cited by Labcorp Genetics (formerly Invitae), Labcorp); PubMed 9536098 (cited by Labcorp Genetics (formerly Invitae), Labcorp); PubMed 17562833 (cited by Labcorp Genetics (formerly Invitae), Labcorp and Counsyl).